The following is an entry in ClinVar:

NM_001199107.2(TBC1D24):c.746A>T (p.Lys249Met)

Gene: TBC1D24 (TBC1 domain family member 24; plus strand). Cytogenetic location: 16p13.3.
Variant type: single nucleotide variant.
Coding change: c.746A>T on transcript NM_001199107.2 (MANE Select); coding-DNA position 746, A replaced by T.
Protein change: p.Lys249Met; replaces lysine 249 with methionine.
Molecular consequence: missense variant.
Genome position (GRCh38, 1-based): chr16:2,496,894, A>T. VCF-style: chr16-2496894-A-T. GRCh37 (hg19) VCF-style: chr16-2546895-A-T.
Other names: c.746A>T, p.Lys249Met (NM_020705.3); short protein forms K249M.
Identifiers: ClinVar variation 2202751 (VCV002202751.4), dbSNP rs2505515962, ClinGen allele CA394377128.

ClinVar aggregate classification (germline): Uncertain significance (1 of 4 stars; one submission).

Conditions:
Autosomal dominant nonsyndromic hearing loss 65. Also called: Deafness, autosomal dominant 65; TBC1D24-Related Autosomal Dominant Nonsyndromic Hearing Loss (DFNA). Identifiers: Orphanet 90635, MedGen C3892048, MONDO:0014470, OMIM 616044.
Developmental and epileptic encephalopathy, 1 (DEE1). Also called: X-linked infantile spasms; West's syndrome; Tonic spasms with clustering, arrest of psychomotor development and hypsarrhythmia on EEG; X-Linked Infantile Spasm Syndrome; OHTAHARA SYNDROME, X-LINKED; INFANTILE SPASM SYNDROME, X-LINKED 1. Identifiers: MedGen C3463992, MONDO:0010632, OMIM 308350. Disease mechanism: loss of function.

Submission:

Labcorp Genetics (formerly Invitae), Labcorp
Classification: Uncertain significance for Developmental and epileptic encephalopathy, 1; Autosomal dominant nonsyndromic hearing loss 65. Last evaluated: 2022-05-25. Review status: criteria provided, single submitter. Criteria: Invitae Variant Classification Sherloc (09022015). Collection method: clinical testing. Allele origin: germline.
Comment: This variant is not present in population databases (gnomAD no frequency). In summary, the available evidence is currently insufficient to determine the role of this variant in disease. Therefore, it has been classified as a Variant of Uncertain Significance. Advanced modeling of protein sequence and biophysical properties (such as structural, functional, and spatial information, amino acid conservation, physicochemical variation, residue mobility, and thermodynamic stability) performed at Invitae indicates that this missense variant is expected to disrupt TBC1D24 protein function. This variant has not been reported in the literature in individuals affected with TBC1D24-related conditions. This sequence change replaces lysine, which is basic and polar, with methionine, which is neutral and non-polar, at codon 249 of the TBC1D24 protein (p.Lys249Met).